The following is an entry in ClinVar:

ClinVar aggregate classification (germline): Uncertain significance. Review status: criteria provided, multiple submitters, no conflicts (2 of 4 stars). 2 submissions from 2 submitters: Uncertain significance (2). Last evaluated 2025-07-14.

Allele frequency attached by ClinVar (database versions not stated): ExAC 0.00002; gnomAD exomes 0.00001 and 0.00002; TOPMed below 0.00001; gnomAD 0.00001.
gnomAD v4.1: 10 of 1,613,696 alleles (0.00062%); highest among the groups gnomAD compares: Non-Finnish European, 0.00085%; no homozygotes.

Submissions (2):

GeneDx
Classification: Uncertain significance. Last evaluated: 2025-07-14. Review status: criteria provided, single submitter. Criteria: GeneDx Variant Classification Process June 2021. Collection method: clinical testing. Allele origin: germline. Affected: yes.
Comment: In silico analysis supports that this missense variant has a deleterious effect on protein structure/function; Has not been previously published as pathogenic or benign to our knowledge

Athena Diagnostics
Classification: Uncertain significance. Last evaluated: 2020-01-16. Review status: criteria provided, single submitter. Criteria: Athena Diagnostics Criteria. Collection method: clinical testing. Allele origin: unknown.

NM_005529.7(HSPG2):c.12773A>G (p.Asp4258Gly)

Genes: HSPG2 (heparan sulfate proteoglycan 2; minus strand), LDLRAD2 (low density lipoprotein receptor class A domain containing 2; plus strand). Cytogenetic location: 1p36.12.
Variant type: single nucleotide variant.
Coding change: c.12773A>G on transcript NM_005529.7 (MANE Select); coding-DNA position 12773, A replaced by G.
Protein change: p.Asp4258Gly; replaces aspartic acid 4258 with glycine.
Molecular consequence: missense variant. On other transcripts: 3 prime UTR variant (1).
Genome position (GRCh38, 1-based): chr1:21,824,348, T>C on the plus strand (A>G on the coding strand, the complement: HSPG2 is on the minus strand). VCF-style: chr1-21824348-T-C. GRCh37 (hg19) VCF-style: chr1-22150841-T-C.
Other names: c.12776A>G, p.Asp4259Gly (NM_001291860.2); c.*2133T>C (NM_001013693.3); c.12773A>G (NM_005529.5); short protein forms D4258G, D4259G.
Identifiers: ClinVar variation 995377 (VCV000995377.2), dbSNP rs756568323, ClinGen allele CA669291.
Genomic context (GRCh38, chr1:21,824,348, plus strand): 5'-CCAGGTGCCAGGACCTACCTGAAGACAAGGTGCCCGTCTTGAAGCCCGAGGCTGATGAAG[T>C]CCTTGCCTTGGCCGGCCTCTCCCACCTCCTGCCAGGGAAGCACAGGGTCTCTGGGGTCCC-3'
Protein context (NP_005520.4, residues 4248-4268): VEVGEAGQGK[Asp4258Gly]FISLGLQDGH